The following is an entry in ClinVar:

ClinVar aggregate classification (germline): Uncertain significance (1 of 4 stars; one submission).

Conditions:
Lowe syndrome (OCRL). Also called: Oculocerebrorenal Syndrome; LOWE OCULOCEREBRORENAL SYNDROME; PHOSPHATIDYLINOSITOL 4,5-BISPHOSPHATE 5-PHOSPHATASE DEFICIENCY. Identifiers: Orphanet 534, MedGen C0028860, MONDO:0010645, OMIM 309000.

Allele frequency attached by ClinVar (database versions not stated): gnomAD exomes below 0.00001.
gnomAD v4.1: 4 of 1,074,699 alleles (0.00037%); highest among the groups gnomAD compares: Non-Finnish European, 0.00052%; no homozygotes.

Submission:

Labcorp Genetics (formerly Invitae), Labcorp
Classification: Uncertain significance for Lowe syndrome. Last evaluated: 2022-04-25. Review status: criteria provided, single submitter. Criteria: Invitae Variant Classification Sherloc (09022015). Collection method: clinical testing. Allele origin: germline.
Comment: This variant has not been reported in the literature in individuals affected with OCRL-related conditions. Variants that disrupt the consensus splice site are a relatively common cause of aberrant splicing (PMID: 17576681, 9536098). Algorithms developed to predict the effect of sequence changes on RNA splicing suggest that this variant is not likely to affect RNA splicing. In summary, the available evidence is currently insufficient to determine the role of this variant in disease. Therefore, it has been classified as a Variant of Uncertain Significance. This variant is not present in population databases (gnomAD no frequency). This sequence change falls in intron 20 of the OCRL gene. It does not directly change the encoded amino acid sequence of the OCRL protein. It affects a nucleotide within the consensus splice site.

Literature cited by the submitters: PubMed 17576681; PubMed 9536098.

NM_000276.4(OCRL):c.2256+6T>C

Gene: OCRL (OCRL inositol polyphosphate-5-phosphatase; plus strand). Cytogenetic location: Xq26.1.
Variant type: single nucleotide variant.
Coding change: c.2256+6T>C on transcript NM_000276.4 (MANE Select); 6 bases into the intron after coding-DNA position 2256, T replaced by C.
Molecular consequence: intron variant.
Genome position (GRCh38, 1-based): chrX:129,587,124, T>C. VCF-style: chrX-129587124-T-C. GRCh37 (hg19) VCF-style: chrX-128721101-T-C.
Other names: c.2259+6T>C (NM_001318784.2); c.2232+6T>C (NM_001587.4).
Identifiers: ClinVar variation 2154937 (VCV002154937.4), dbSNP rs1171322303, ClinGen allele CA871432534.